The following is an entry in ClinVar:

NM_014795.4(ZEB2):c.36C>G (p.Cys12Trp)

Gene: ZEB2 (zinc finger E-box binding homeobox 2; minus strand). Cytogenetic location: 2q22.3.
Variant type: single nucleotide variant.
Coding change: c.36C>G on transcript NM_014795.4 (MANE Select); coding-DNA position 36, C replaced by G.
Protein change: p.Cys12Trp; replaces cysteine 12 with tryptophan.
Molecular consequence: missense variant. On other transcripts: non-coding transcript variant (1).
Genome position (GRCh38, 1-based): chr2:144,517,315, G>C on the plus strand (C>G on the coding strand, the complement: ZEB2 is on the minus strand). VCF-style: chr2-144517315-G-C. GRCh37 (hg19) VCF-style: chr2-145274882-G-C.
Other names: c.36C>G, p.Cys12Trp (NM_001171653.2); short protein forms C12W.
Identifiers: ClinVar variation 3648172 (VCV003648172.2).

ClinVar aggregate classification (germline): Uncertain significance (1 of 4 stars; one submission).

Conditions:
Mowat-Wilson syndrome (MOWS). Also called: Classic Mowat-Wilson Syndrome. Identifiers: Orphanet 2152, MedGen C1856113, MONDO:0009341, OMIM 235730.

Submission:

Labcorp Genetics (formerly Invitae), Labcorp
Classification: Uncertain significance for Mowat-Wilson syndrome. Last evaluated: 2024-03-30. Review status: criteria provided, single submitter. Criteria: Invitae Variant Classification Sherloc (09022015). Collection method: clinical testing. Allele origin: germline.
Comment: This sequence change replaces cysteine, which is neutral and slightly polar, with tryptophan, which is neutral and slightly polar, at codon 12 of the ZEB2 protein (p.Cys12Trp). This variant is not present in population databases (gnomAD no frequency). This variant has not been reported in the literature in individuals affected with ZEB2-related conditions. An algorithm developed to predict the effect of missense changes on protein structure and function (PolyPhen-2) suggests that this variant is likely to be tolerated. In summary, the available evidence is currently insufficient to determine the role of this variant in disease. Therefore, it has been classified as a Variant of Uncertain Significance.